The following is an entry in ClinVar:

ClinVar aggregate classification (germline): Likely benign (0 of 4 stars; one submission).

Conditions:
TOP3B-related disorder. Also called: TOP3B-related condition.

Allele frequency attached by ClinVar (database versions not stated): gnomAD exomes below 0.00001.
gnomAD v4.1: 1 of 1,613,412 alleles (0.000062%); highest among the groups gnomAD compares: Non-Finnish European, 0.000085%; no homozygotes.

Submission:

PreventionGenetics, part of Exact Sciences
Classification: Likely benign for TOP3B-related condition. Last evaluated: 2019-08-14. Review status: no assertion criteria provided. Collection method: clinical testing. Allele origin: germline.
Comment: This variant is classified as likely benign based on ACMG/AMP sequence variant interpretation guidelines (Richards et al. 2015 PMID: 25741868, with internal and published modifications).

NM_001282112.2(TOP3B):c.852+3G>A

Gene: TOP3B (DNA topoisomerase III beta; minus strand). Cytogenetic location: 22q11.22.
Variant type: single nucleotide variant.
Coding change: c.852+3G>A on transcript NM_001282112.2 (MANE Select); 3 bases into the intron after coding-DNA position 852, G replaced by A.
Molecular consequence: intron variant.
Genome position (GRCh38, 1-based): chr22:21,967,600, C>T on the plus strand (G>A on the coding strand, the complement: TOP3B is on the minus strand). VCF-style: chr22-21967600-C-T. GRCh37 (hg19) VCF-style: chr22-22321972-C-T.
Other names: c.852+3G>A (NM_001282113.2, NM_001349847.2, NM_001349845.2 and 1 more transcripts); c.444+3G>A (NM_001349848.2, NM_001349851.2, NM_001349850.2 and 1 more transcripts).
Identifiers: ClinVar variation 3053696 (VCV003053696.2), dbSNP rs2517656923, ClinGen allele CA2577659768.